The following is an entry in ClinVar:

ClinVar aggregate classification (germline): Pathogenic (1 of 4 stars; one submission).

Conditions:
Cerebral cavernous malformation (CCM). Also called: CAVERNOUS ANGIOMATOUS MALFORMATIONS; CEREBRAL CAPILLARY MALFORMATIONS; Cerebral cavernous malformations; Cerebral cavernous hemangioma (type); CAVERNOUS ANGIOMA, FAMILIAL; Cavernous Hemangioma of Brain. Identifiers: Orphanet 221061, MedGen C2919945, MONDO:0000820, OMIM 116860, HP:0033522.

Submission:

Labcorp Genetics (formerly Invitae), Labcorp
Classification: Pathogenic for Cerebral cavernous malformation. Last evaluated: 2021-04-05. Review status: criteria provided, single submitter. Criteria: Invitae Variant Classification Sherloc (09022015). Collection method: clinical testing. Allele origin: germline.
Comment: This sequence change creates a premature translational stop signal (p.Lys569*) in the KRIT1 gene. It is expected to result in an absent or disrupted protein product. Loss-of-function variants in KRIT1 are known to be pathogenic (PMID: 10508515, 11222804, 12404106, 24689081). This variant is not present in population databases (ExAC no frequency). This variant has not been reported in the literature in individuals with KRIT1-related conditions. For these reasons, this variant has been classified as Pathogenic.

Literature cited by the submitters: PubMed 10508515; PubMed 11222804; PubMed 12404106; PubMed 24689081.

NM_194454.3(KRIT1):c.1705A>T (p.Lys569Ter)

Gene: KRIT1 (KRIT1 ankyrin repeat containing; minus strand). Cytogenetic location: 7q21.2.
Variant type: single nucleotide variant.
Coding change: c.1705A>T on transcript NM_194454.3 (MANE Select); coding-DNA position 1705, A replaced by T.
Protein change: p.Lys569Ter; replaces lysine 569 with a stop codon.
Molecular consequence: nonsense.
Genome position (GRCh38, 1-based): chr7:92,214,636, T>A on the plus strand (A>T on the coding strand, the complement: KRIT1 is on the minus strand). VCF-style: chr7-92214636-T-A. GRCh37 (hg19) VCF-style: chr7-91843950-T-A.
Other names: c.1561A>T, p.Lys521Ter (NM_001013406.2, NM_001350669.1, NM_001350670.1); c.991A>T, p.Lys331Ter (NM_001350671.1); c.1705A>T, p.Lys569Ter (NM_001350672.1, NM_001350673.1, NM_001350674.1 and 26 more transcripts); short protein forms K521*, K569*, K331*.
Identifiers: ClinVar variation 1454223 (VCV001454223.6), dbSNP rs2131326255, ClinGen allele CA368141665.